The following is an entry in ClinVar:

ClinVar aggregate classification (germline): Likely benign. Review status: reviewed by expert panel (3 of 4 stars). 10 submissions from 10 submitters: Likely benign (1). 9 of the submissions do not count toward it. Last evaluated 2023-08-03.

Conditions:
CDH1-related diffuse gastric and lobular breast cancer syndrome. Also called: CDH1-related diffuse gastric and lobular breast cancer. Identifiers: MedGen CN311521, MONDO:0100488.
CDH1-related disorder. Also called: CDH1-related condition.
Hereditary cancer-predisposing syndrome. Also called: Neoplastic Syndromes, Hereditary; Hereditary Cancer Syndrome; Hereditary neoplastic syndrome; Tumor predisposition. Identifiers: Orphanet 140162, MedGen C0027672, MeSH D009386, MONDO:0015356.
Hereditary diffuse gastric adenocarcinoma (HDGC). Also called: DIFFUSE GASTRIC AND LOBULAR BREAST CANCER SYNDROME. Identifiers: Orphanet 26106, MedGen C1708349, MONDO:0007648, OMIM 137215.

Allele frequency attached by ClinVar (database versions not stated): ExAC 0.00001; gnomAD 0.00002; TOPMed 0.00002.
gnomAD v4.1: 35 of 1,613,698 alleles (0.0022%); highest among the groups gnomAD compares: Non-Finnish European, 0.0028%; no homozygotes.

Submissions (10):

Clingen Gastric Cancer Variant Curation Expert Panel
Classification: Likely benign for CDH1-related diffuse gastric and lobular breast cancer syndrome. Last evaluated: 2023-08-03. Review status: reviewed by expert panel. Criteria: ClinGen CDH1 ACMG Specifications V3.1. Collection method: curation. Allele origin: germline. Inheritance: Autosomal dominant inheritance.
Comment: The NM_004360.5(CDH1):c.1684A>G (p.Thr562Ala) variant has been observed in >10 individuals without a diagnosis of diffuse gastric cancer, signet ring tumor or lobular breast cancer and whose family histories do not suggest HDGC (BS2; internal laboratory contributors). In summary, the clinical significance of this variant is classified as likely benign based on BS2 alone. ACMG/AMP criteria applied, as specified by the CDH1 Variant Curation Expert Panel: BS2. (CDH1 VCEP specifications version 3.1; 06/26/2023)

Labcorp Genetics (formerly Invitae), Labcorp
Classification: Likely benign for Hereditary diffuse gastric adenocarcinoma. Last evaluated: 2025-12-22. Review status: criteria provided, single submitter. Criteria: Invitae Variant Classification Sherloc (09022015). Collection method: clinical testing. Allele origin: germline. Not counted in ClinVar's aggregate classification.

Quest Diagnostics Nichols Institute San Juan Capistrano
Classification: Uncertain significance. Last evaluated: 2023-12-18. Review status: criteria provided, single submitter. Criteria: Quest Diagnostics criteria. Collection method: clinical testing. Allele origin: unknown. Not counted in ClinVar's aggregate classification.
Comment: The CDH1 c.1684A>G (p.Thr562Ala) variant has been reported in the published literature in an individual with acute lymphoblastic leukemia (ALL) (PMID: 26580448 (2015)), and in an individual with breast cancer as well as in a reportedly healthy individual in a breast cancer association study (PMID: 33471991 (2021)). The frequency of this variant in the general population, 0.000012 (3/251490 chromosomes (Genome Aggregation Database)), is uninformative in the assessment of its pathogenicity. Analysis of this variant using bioinformatics tools for the prediction of the effect of amino acid changes on protein structure and function yielded predictions that this variant is benign. Additional analysis using software algorithms for the prediction of the effect of nucleotide changes on CDH1 mRNA splicing yielded predictions that this variant may result in the gain of a cryptic splice site without affecting the natural splice sites. Based on the available information, we are unable to determine the clinical significance of this variant.

PreventionGenetics, part of Exact Sciences
Classification: Uncertain significance for CDH1-related condition. Last evaluated: 2023-05-30. Review status: criteria provided, single submitter. Criteria: ACMG Guidelines, 2015. Collection method: clinical testing. Allele origin: germline. Not counted in ClinVar's aggregate classification.
Comment: The CDH1 c.1684A>G variant is predicted to result in the amino acid substitution p.Thr562Ala. To our knowledge, this variant has not been reported in the literature. This variant is reported in 0.0062% of alleles in individuals of African descent in gnomAD. At this time, the clinical significance of this variant is uncertain due to the absence of conclusive functional and genetic evidence.

Myriad Genetics, Inc.
Classification: Uncertain significance for Hereditary diffuse gastric adenocarcinoma. Last evaluated: 2023-03-06. Review status: criteria provided, single submitter. Criteria: Myriad Autosomal Dominant, Autosomal Recessive and X-Linked Classification Criteria (2023). Collection method: clinical testing. Allele origin: unknown. Not counted in ClinVar's aggregate classification.
Comment: This variant is classified as a variant of uncertain significance as there is insufficient evidence to determine its impact on protein function and/or cancer risk.

Sema4
Classification: Likely benign for Hereditary cancer-predisposing syndrome. Last evaluated: 2021-06-28. Review status: criteria provided, single submitter. Criteria: Sema4 Curation Guidelines. Collection method: curation. Allele origin: germline. Not counted in ClinVar's aggregate classification.

Ambry Genetics
Classification: Likely benign for Hereditary cancer-predisposing syndrome. Last evaluated: 2019-03-25. Review status: criteria provided, single submitter. Criteria: Ambry Variant Classification Scheme 2023. Collection method: clinical testing. Allele origin: germline. Not counted in ClinVar's aggregate classification.

GeneDx
Classification: Likely benign. Last evaluated: 2018-11-28. Review status: criteria provided, single submitter. Criteria: GeneDx Variant Classification Process June 2021. Collection method: clinical testing. Allele origin: germline. Affected: yes. Not counted in ClinVar's aggregate classification.

Color Diagnostics, LLC DBA Color Health
Classification: Likely benign for Hereditary cancer-predisposing syndrome. Last evaluated: 2017-05-25. Review status: criteria provided, single submitter. Criteria: ACMG Guidelines, 2015. Collection method: clinical testing. Allele origin: germline. Not counted in ClinVar's aggregate classification.

Counsyl
Classification: Uncertain significance for Hereditary diffuse gastric adenocarcinoma. Last evaluated: 2016-03-11. Review status: no assertion criteria provided. Collection method: clinical testing. Allele origin: unknown. Not counted in ClinVar's aggregate classification.

Literature cited by the submitters: PubMed 34326862 (cited by Quest Diagnostics Nichols Institute San Juan Capistrano); PubMed 26580448 (cited by Quest Diagnostics Nichols Institute San Juan Capistrano); PubMed 33471991 (cited by Quest Diagnostics Nichols Institute San Juan Capistrano).

NM_004360.5(CDH1):c.1684A>G (p.Thr562Ala)

Gene: CDH1 (cadherin 1; plus strand). Cytogenetic location: 16q22.1.
Variant type: single nucleotide variant.
Coding change: c.1684A>G on transcript NM_004360.5 (MANE Select); coding-DNA position 1684, A replaced by G.
Protein change: p.Thr562Ala; replaces threonine 562 with alanine.
Molecular consequence: missense variant. On other transcripts: intron variant (1).
Genome position (GRCh38, 1-based): chr16:68,819,398, A>G. VCF-style: chr16-68819398-A-G. GRCh37 (hg19) VCF-style: chr16-68853301-A-G.
Other names: NM_004360.5(CDH1):c.1684A>G; p.Thr562Ala; c.1684A>G (LRG_301t1); c.1501A>G, p.Thr501Ala (NM_001317184.2); c.136A>G, p.Thr46Ala (NM_001317185.2); c.-254-2603A>G (NM_001317186.2); short protein forms T562A, T501A, T46A.
Identifiers: ClinVar variation 141854 (VCV000141854.25), dbSNP rs587782061, ClinGen allele CA166617.